The following is an entry in ClinVar:

NM_001848.3(COL6A1):c.2464+1G>A

Gene: COL6A1 (collagen type VI alpha 1 chain; plus strand). Cytogenetic location: 21q22.3.
Variant type: single nucleotide variant.
Coding change: c.2464+1G>A on transcript NM_001848.3 (MANE Select); the canonical splice donor site of the intron after coding-DNA position 2464, G replaced by A.
Molecular consequence: splice donor variant.
Genome position (GRCh38, 1-based): chr21:46,003,150, G>A. VCF-style: chr21-46003150-G-A. GRCh37 (hg19) VCF-style: chr21-47423064-G-A.
Identifiers: ClinVar variation 651203 (VCV000651203.7), dbSNP rs113290209, ClinGen allele CA410538752.

ClinVar aggregate classification (germline): Uncertain significance (1 of 4 stars; one submission).

Conditions:
Bethlem myopathy 1A. Also called: Bethlem Muscular Dystrophy; Bethlem myopathy 1; MYOPATHY, BENIGN CONGENITAL, WITH CONTRACTURES. Identifiers: Orphanet 610, MedGen CN029274, MONDO:0024530, OMIM 158810.

Submission:

Labcorp Genetics (formerly Invitae), Labcorp
Classification: Uncertain significance for Bethlem myopathy 1A. Last evaluated: 2024-03-04. Review status: criteria provided, single submitter. Criteria: Invitae Variant Classification Sherloc (09022015). Collection method: clinical testing. Allele origin: germline.
Comment: This sequence change affects a donor splice site in intron 34 of the COL6A1 gene. While this variant is not anticipated to result in nonsense mediated decay, it likely alters RNA splicing and results in a disrupted protein product. This variant is not present in population databases (gnomAD no frequency). This variant has not been reported in the literature in individuals affected with COL6A1-related conditions. ClinVar contains an entry for this variant (Variation ID: 651203). Variants that disrupt the consensus splice site are a relatively common cause of aberrant splicing (PMID: 17576681, 9536098). Algorithms developed to predict the effect of sequence changes on RNA splicing suggest that this variant may disrupt the consensus splice site. In summary, the available evidence is currently insufficient to determine the role of this variant in disease. Therefore, it has been classified as a Variant of Uncertain Significance.

Literature cited by the submitters: PubMed 17576681; PubMed 9536098.